The following is an entry in ClinVar:

NM_000053.4(ATP7B):c.2998G>A (p.Gly1000Arg)

Gene: ATP7B (ATPase copper transporting beta; minus strand). Cytogenetic location: 13q14.3.
Variant type: single nucleotide variant.
Coding change: c.2998G>A on transcript NM_000053.4 (MANE Select); coding-DNA position 2998, G replaced by A.
Protein change: p.Gly1000Arg; replaces glycine 1000 with arginine.
Molecular consequence: missense variant.
Genome position (GRCh38, 1-based): chr13:51,946,346, C>T on the plus strand (G>A on the coding strand, the complement: ATP7B is on the minus strand). VCF-style: chr13-51946346-C-T. GRCh37 (hg19) VCF-style: chr13-52520482-C-T.
Other names: c.2377G>A, p.Gly793Arg (NM_001005918.3); c.2665G>A, p.Gly889Arg (NM_001243182.2); c.2764G>A, p.Gly922Arg (NM_001330578.2); c.2746G>A, p.Gly916Arg (NM_001330579.2); short protein forms G1000R, G889R, G916R, G922R, G793R.
Identifiers: ClinVar variation 557405 (VCV000557405.39), dbSNP rs751078884, ClinGen allele CA6988839.

ClinVar aggregate classification (germline): Pathogenic/Likely pathogenic. Review status: criteria provided, multiple submitters, no conflicts (2 of 4 stars). 11 submissions from 11 submitters: Pathogenic (4); Likely pathogenic (6). 1 of the submissions does not count toward it. Last evaluated 2025-09-09.

Conditions:
ATP7B-related disorder. Also called: ATP7B-related condition.
Wilson disease (WND). Also called: Wilson's disease. Identifiers: Orphanet 905, MedGen C0019202, MONDO:0010200, OMIM 277900. Disease mechanism: loss of function.

Allele frequency attached by ClinVar (database versions not stated): gnomAD 0.00001; TOPMed 0.00002.

Submissions (11):

Natera, Inc.
Classification: Pathogenic for Wilson disease. Last evaluated: 2025-09-09. Review status: criteria provided, single submitter. Criteria: Natera Variant Classification Schema (03/2026). Collection method: clinical testing. Allele origin: germline.
Comment: The c.2998G>A variant in ATP7B is a missense variant predicted to cause substitution of glycine to arginine at amino acid 1000. This variant is rare in the general population with a frequency below the threshold expected for the associated phenotype(s). This variant has been observed in one or more individuals affected with the associated recessive disease, as either homozygous or compound heterozygous with a second variant (PMID: 35220961, 31059521, 30702195, 30232804). Computational prediction algorithms indicate this variant is likely to affect gene or protein function. Given the available evidence, this variant is classified as Pathogenic.

Labcorp Genetics (formerly Invitae), Labcorp
Classification: Pathogenic for Wilson disease. Last evaluated: 2025-03-24. Review status: criteria provided, single submitter. Criteria: Invitae Variant Classification Sherloc (09022015). Collection method: clinical testing. Allele origin: germline.
Comment: This sequence change replaces glycine, which is neutral and non-polar, with arginine, which is basic and polar, at codon 1000 of the ATP7B protein (p.Gly1000Arg). This variant is present in population databases (rs751078884, gnomAD 0.007%). This missense change has been observed in individual(s) with Wilson disease (PMID: 31059521). ClinVar contains an entry for this variant (Variation ID: 557405). Invitae Evidence Modeling of protein sequence and biophysical properties (such as structural, functional, and spatial information, amino acid conservation, physicochemical variation, residue mobility, and thermodynamic stability) indicates that this missense variant is expected to disrupt ATP7B protein function with a positive predictive value of 80%. Experimental studies have shown that this missense change affects ATP7B function (PMID: 20333758). For these reasons, this variant has been classified as Pathogenic.

Blueprint Genetics
Classification: Likely pathogenic for ATP7B-related disorders. Last evaluated: 2024-10-14. Review status: criteria provided, single submitter. Criteria: ACMG Guidelines, 2015. Collection method: clinical testing. Allele origin: germline. Affected: yes. Observed: 3 variant alleles.

Baylor Genetics
Classification: Likely pathogenic for Wilson disease. Last evaluated: 2024-03-20. Review status: criteria provided, single submitter. Criteria: ACMG Guidelines, 2015. Collection method: clinical testing. Allele origin: unknown.

Fulgent Genetics
Classification: Pathogenic for Wilson disease. Last evaluated: 2024-01-03. Review status: criteria provided, single submitter. Criteria: ACMG Guidelines, 2015. Collection method: clinical testing. Allele origin: germline.

All of Us Research Program, National Institutes of Health
Classification: Likely pathogenic for Wilson disease. Last evaluated: 2023-12-18. Review status: criteria provided, single submitter. Criteria: ACMG Guidelines, 2015. Collection method: clinical testing. Allele origin: germline. Inheritance: Autosomal recessive inheritance. Observed: 1 variant allele, 1 heterozygote.
Comment: This missense variant replaces glycine with arginine at codon 1000 of the ATP7B protein. Computational prediction suggests that this variant may have deleterious impact on protein structure and function. This variant alters a conserved glycine residue in the transmembrane M4 domain (a.a. 970 - 1003), a highly conserved region that is considered to be important for ATP7B protein function (PMID: 35245129; ClinVar). A functional study has shown that this variant resulted in reduced ATP7B protein expression and altered protein function (PMID: 20333758). This variant has been observed in individuals affected with autosomal recessive Wilson disease (PMID: 16088907, 30120852, 30702195, 31059521, 31708252, 33010844), including in one individual in the compound heterozygous state with a second pathogenic variant in the same gene (PMID: 30702195) and in the homozygous state in two individuals with no evidence of parental consanguinity (PMID: 30120852, 33010844). This variant has been identified in 9/244084 chromosomes in the general population by the Genome Aggregation Database (gnomAD). A different variant that results in the same amino acid change, c.2998G>C (p.Gly1000Arg), has been observed in individuals affected with autosomal recessive Wilson disease (PMID: 23486543, 30230192), including in one individual in the compound heterozygous state with a second pathogenic variant in the ATP7B gene (PMID: 30230192). Based on the available evidence, this c.2998G>A (p.Gly1000Arg) variant is classified as Likely Pathogenic.

This study involves interpretation of variants in research participants for the purpose of population health screening. Participant phenotype was not available at the time of variant classification. Additional details can be found in publication PMID: 35346344, PMCID: PMC8962531

GeneDx
Classification: Pathogenic. Last evaluated: 2023-08-03. Review status: criteria provided, single submitter. Criteria: GeneDx Variant Classification Process June 2021. Collection method: clinical testing. Allele origin: germline. Affected: yes.
Comment: Published functional studies found this variant is unable to rescue growth of a yeast strain deficient for ccc2 (the ATP7B otholog in yeast) (Luoma LM et al., 2010); Not observed at significant frequency in large population cohorts (gnomAD); In silico analysis supports that this missense variant has a deleterious effect on protein structure/function; This variant is associated with the following publications: (PMID: 16088907, 30120852, 20333758, 30275481, 22692182, 31708252, 23486543)

Genome-Nilou Lab
Classification: Likely pathogenic for Wilson disease. Last evaluated: 2021-08-10. Review status: criteria provided, single submitter. Criteria: ACMG Guidelines, 2015. Collection method: clinical testing. Allele origin: germline. Affected: no.

Arcensus
Classification: Likely pathogenic for Wilson disease. Last evaluated: 2013-02-01. Review status: criteria provided, single submitter. Criteria: ACMG Guidelines, 2015. Collection method: clinical testing. Allele origin: germline. Affected: yes.

Juno Genomics, Hangzhou Juno Genomics, Inc
Classification: Likely pathogenic for Wilson disease. Review status: criteria provided, single submitter. Criteria: ACMG Guidelines, 2015. Collection method: clinical testing. Allele origin: germline.
Comment: Absent from controls (or at extremely low frequency if recessive) in Genome Aggregation Database.;Multiple lines of computational evidence support a deleterious effect on the gene or gene product.;For recessive disorders, detected in trans with a pathogenic variant.

Counsyl
Classification: Likely pathogenic for Wilson disease. Last evaluated: 2018-03-23. Review status: no assertion criteria provided. Collection method: clinical testing. Allele origin: unknown. Not counted in ClinVar's aggregate classification.

Literature cited by the submitters: PubMed 35220961 (cited by Natera, Inc.); PubMed 31059521 (cited by 3 submitters); PubMed 30702195 (cited by Natera, Inc. and All of Us Research Program, National Institutes of Health); PubMed 30232804 (cited by Natera, Inc.); PubMed 20333758 (cited by 3 submitters); PubMed 16088907 (cited by All of Us Research Program, National Institutes of Health and Counsyl); PubMed 23486543 (cited by All of Us Research Program, National Institutes of Health and Counsyl); PubMed 30120852 (cited by All of Us Research Program, National Institutes of Health); PubMed 30230192 (cited by All of Us Research Program, National Institutes of Health); PubMed 31708252 (cited by All of Us Research Program, National Institutes of Health); PubMed 33010844 (cited by All of Us Research Program, National Institutes of Health); PubMed 35245129 (cited by All of Us Research Program, National Institutes of Health); PubMed 18728530 (cited by Counsyl).